The following is an entry in ClinVar:

ClinVar aggregate classification (germline): Uncertain significance (1 of 4 stars; one submission).

Conditions:
Costello syndrome (CSTLO). Also called: FCS SYNDROME; HRAS-Related Costello Syndrome; FACIOCUTANEOSKELETAL SYNDROME. Identifiers: Orphanet 3071, MedGen C0587248, MONDO:0009026, OMIM 218040.

gnomAD v4.1: 2 of 1,612,828 alleles (0.00012%); highest among the groups gnomAD compares: Non-Finnish European, 0.000085%; no homozygotes.

Submission:

Labcorp Genetics (formerly Invitae), Labcorp
Classification: Uncertain significance for Costello syndrome. Last evaluated: 2022-08-31. Review status: criteria provided, single submitter. Criteria: Invitae Variant Classification Sherloc (09022015). Collection method: clinical testing. Allele origin: germline.
Comment: This sequence change replaces alanine, which is neutral and non-polar, with valine, which is neutral and non-polar, at codon 155 of the HRAS protein (p.Ala155Val). In summary, the available evidence is currently insufficient to determine the role of this variant in disease. Therefore, it has been classified as a Variant of Uncertain Significance. Advanced modeling of protein sequence and biophysical properties (such as structural, functional, and spatial information, amino acid conservation, physicochemical variation, residue mobility, and thermodynamic stability) performed at Invitae indicates that this missense variant is not expected to disrupt HRAS protein function. ClinVar contains an entry for this variant (Variation ID: 964643). This variant has not been reported in the literature in individuals affected with HRAS-related conditions. The frequency data for this variant in the population databases is considered unreliable, as metrics indicate poor data quality at this position in the gnomAD database.

NM_005343.4(HRAS):c.464C>T (p.Ala155Val)

Genes: HRAS (HRas proto-oncogene, GTPase; minus strand), LRRC56 (leucine rich repeat containing 56; plus strand). Cytogenetic location: 11p15.5.
Variant type: single nucleotide variant.
Coding change: c.464C>T on transcript NM_005343.4 (MANE Select); coding-DNA position 464, C replaced by T.
Protein change: p.Ala155Val; replaces alanine 155 with valine.
Molecular consequence: missense variant. On other transcripts: 3 prime UTR variant (1).
Genome position (GRCh38, 1-based): chr11:532,742, G>A on the plus strand (C>T on the coding strand, the complement: HRAS is on the minus strand). VCF-style: chr11-532742-G-A. GRCh37 (hg19) VCF-style: chr11-532742-G-A.
Other names: c.464C>T, p.Ala155Val (NM_001130442.3); c.227C>T, p.Ala76Val (NM_001318054.2); c.*33C>T (NM_176795.5); short protein forms A76V, A155V.
Identifiers: ClinVar variation 964643 (VCV000964643.10), dbSNP rs1269551105, ClinGen allele CA378921211.
Genomic context (GRCh38, chr11:532,742, plus strand): 5'-TCAGGAGGGTTCAGCTTCCGCAGCTTGTGCTGCCGGATCTCACGCACCAACGTGTAGAAG[G>A]CATCCTCCACTCCCTGGGAAAGGAGGGATGGGATCAGGAGGGACCGGCCTGTGGCCGCCT-3'
Protein context (NP_005334.1, residues 145-165): SAKTRQGVED[Ala155Val]FYTLVREIRQ